The following is an entry in ClinVar:

ClinVar aggregate classification (germline): Conflicting classifications of pathogenicity. Review status: criteria provided, conflicting classifications (1 of 4 stars). 7 submissions from 7 submitters: Uncertain significance (6); Likely benign (1). Last evaluated 2026-08-01.

Conditions:
Hypokalemic periodic paralysis, type 1. Also called: HypoPP; Hypokalemic Periodic Paralysis Type 1 (AD). Identifiers: Orphanet 681, MedGen C3714580, MONDO:0042979, OMIM 170400.
Malignant hyperthermia, susceptibility to, 5 (MHS5). Also called: CACNA1S-Related Malignant Hyperthermia Susceptibility. Identifiers: Orphanet 423, MedGen C1866077, MONDO:0011163, OMIM 601887.
Inborn genetic diseases. Identifiers: MedGen C0950123, MeSH D030342.
Congenital myopathy 18. Also called: Myopathy, congenital, due to dihydropyridine receptor defect; DIHYDROPYRIDINE RECEPTOR CONGENITAL MYOPATHY; DHPR CONGENITAL MYOPATHY. Identifiers: MedGen C5830283, MONDO:0859514, OMIM 620246.
Thyrotoxic periodic paralysis, susceptibility to, 1 (TTPP1). Identifiers: Orphanet 79102, MedGen C2749982, MONDO:0008570, OMIM 188580.

Allele frequency attached by ClinVar (database versions not stated): TOPMed 0.00002.
gnomAD v4.1: 23 of 1,614,118 alleles (0.0014%); highest among the groups gnomAD compares: Admixed American, 0.037%; no homozygotes.

Submissions (7):

CeGaT Center for Human Genetics Tuebingen
Classification: Uncertain significance. Last evaluated: 2026-08-01. Review status: criteria provided, single submitter. Criteria: CeGaT Center For Human Genetics Tuebingen Variant Classification Criteria Version 2. Collection method: clinical testing. Allele origin: germline. Affected: yes. Observed: 2 variant alleles.
Comment: CACNA1S: PM2

Labcorp Genetics (formerly Invitae), Labcorp
Classification: Likely benign for Hypokalemic periodic paralysis, type 1; Malignant hyperthermia, susceptibility to, 5. Last evaluated: 2026-01-19. Review status: criteria provided, single submitter. Criteria: Invitae Variant Classification Sherloc (09022015). Collection method: clinical testing. Allele origin: germline.

Ambry Genetics
Classification: Uncertain significance for Inborn genetic diseases. Last evaluated: 2025-09-10. Review status: criteria provided, single submitter. Criteria: Ambry Variant Classification Scheme 2023. Collection method: clinical testing. Allele origin: germline.

All of Us Research Program, National Institutes of Health
Classification: Uncertain significance for Malignant hyperthermia, susceptibility to, 5. Last evaluated: 2024-09-23. Review status: criteria provided, single submitter. Criteria: ACMG Guidelines, 2015. Collection method: clinical testing. Allele origin: germline. Inheritance: Autosomal dominant inheritance. Observed: 12 variant alleles, 12 heterozygotes.
Comment: This missense variant replaces alanine with serine at codon 1282 of the CACNA1S protein. Computational prediction suggests that this variant may have deleterious impact on protein structure and function (internally defined REVEL score threshold >= 0.7, PMID: 27666373). To our knowledge, functional studies have not been reported for this variant. This variant has not been reported in individuals affected with CACNA1S-related disorders in the literature. This variant has been identified in 22/282832 chromosomes in the general population by the Genome Aggregation Database (gnomAD). The available evidence is insufficient to determine the role of this variant in disease conclusively. Therefore, this variant is classified as a Variant of Uncertain Significance.

This study involves interpretation of variants in research participants for the purpose of population health screening. Participant phenotype was not available at the time of variant classification. Additional details can be found in publication PMID: 35346344, PMCID: PMC8962531

Fulgent Genetics
Classification: Uncertain significance for Hypokalemic periodic paralysis, type 1; Thyrotoxic periodic paralysis, susceptibility to, 1; Malignant hyperthermia, susceptibility to, 5; Congenital myopathy 18. Last evaluated: 2024-04-03. Review status: criteria provided, single submitter. Criteria: ACMG Guidelines, 2015. Collection method: clinical testing. Allele origin: germline.

Color Diagnostics, LLC DBA Color Health
Classification: Uncertain significance for Malignant hyperthermia, susceptibility to, 5. Last evaluated: 2023-11-08. Review status: criteria provided, single submitter. Criteria: ACMG Guidelines, 2015. Collection method: clinical testing. Allele origin: germline.
Comment: This missense variant replaces alanine with serine at codon 1282 of the CACNA1S protein. Computational prediction suggests that this variant may have deleterious impact on protein structure and function. To our knowledge, functional studies have not been reported for this variant. This variant has not been reported in individuals affected with CACNA1S-related disorders in the literature. This variant has been identified in 22/282832 chromosomes in the general population by the Genome Aggregation Database (gnomAD). The available evidence is insufficient to determine the role of this variant in disease conclusively. Therefore, this variant is classified as a Variant of Uncertain Significance.

GeneDx
Classification: Uncertain significance. Last evaluated: 2023-04-27. Review status: criteria provided, single submitter. Criteria: GeneDx Variant Classification Process June 2021. Collection method: clinical testing. Allele origin: germline. Affected: yes.
Comment: In silico analysis supports that this missense variant has a deleterious effect on protein structure/function; Has not been previously published as pathogenic or benign to our knowledge

NM_000069.3(CACNA1S):c.3844G>T (p.Ala1282Ser)

Gene: CACNA1S (calcium voltage-gated channel subunit alpha1 S; minus strand). Cytogenetic location: 1q32.1.
Variant type: single nucleotide variant.
Coding change: c.3844G>T on transcript NM_000069.3 (MANE Select); coding-DNA position 3844, G replaced by T.
Protein change: p.Ala1282Ser; replaces alanine 1282 with serine.
Molecular consequence: missense variant.
Genome position (GRCh38, 1-based): chr1:201,053,226, C>A on the plus strand (G>T on the coding strand, the complement: CACNA1S is on the minus strand). VCF-style: chr1-201053226-C-A. GRCh37 (hg19) VCF-style: chr1-201022354-C-A.
Other names: short protein forms A1282S.
Identifiers: ClinVar variation 389110 (VCV000389110.21), dbSNP rs774300377, ClinGen allele CA082876.